The following is an entry in ClinVar:

NM_005573.4(LMNB1):c.234C>T (p.Leu78=)

Gene: LMNB1 (lamin B1; plus strand). Cytogenetic location: 5q23.2.
Variant type: single nucleotide variant.
Coding change: c.234C>T on transcript NM_005573.4 (MANE Select); coding-DNA position 234, C replaced by T.
Protein change: p.Leu78=; no amino-acid change (leucine 78 retained).
Molecular consequence: synonymous variant. On other transcripts: non-coding transcript variant (2), intron variant (1).
Genome position (GRCh38, 1-based): chr5:126,777,742, C>T. VCF-style: chr5-126777742-C-T. GRCh37 (hg19) VCF-style: chr5-126113434-C-T.
Other names: c.-272+498C>T (NM_001198557.2).
Identifiers: ClinVar variation 4822383 (VCV004822383.5).

ClinVar aggregate classification (germline): Likely benign. Review status: criteria provided, multiple submitters, no conflicts (2 of 4 stars). 2 submissions from 2 submitters: Likely benign (2). Last evaluated 2026-04-01.

Submissions (2):

CeGaT Center for Human Genetics Tuebingen
Classification: Likely benign. Last evaluated: 2026-04-01. Review status: criteria provided, single submitter. Criteria: CeGaT Center For Human Genetics Tuebingen Variant Classification Criteria Version 2. Collection method: clinical testing. Allele origin: germline. Affected: yes. Observed: 2 variant alleles.
Comment: LMNB1: BP4, BP7

Blueprint Genetics
Classification: Likely benign. Last evaluated: 2018-10-08. Review status: criteria provided, single submitter. Criteria: ACMG Guidelines, 2015. Collection method: clinical testing. Allele origin: germline.